The following is an entry in ClinVar:

ClinVar aggregate classification (germline): Uncertain significance (1 of 4 stars; one submission).

Conditions:
Long QT syndrome (LQTS). Identifiers: MedGen C0023976, MeSH D008133, MONDO:0002442. Disease mechanism: loss of function. Inheritance: Various modes of inheritance.

Submission:

Labcorp Genetics (formerly Invitae), Labcorp
Classification: Uncertain significance for Long QT syndrome. Last evaluated: 2025-03-03. Review status: criteria provided, single submitter. Criteria: Invitae Variant Classification Sherloc (09022015). Collection method: clinical testing. Allele origin: germline.
Comment: This sequence change replaces alanine, which is neutral and non-polar, with threonine, which is neutral and polar, at codon 223 of the KCNH2 protein (p.Ala223Thr). This variant is not present in population databases (gnomAD no frequency). This variant has not been reported in the literature in individuals affected with KCNH2-related conditions. An algorithm developed to predict the effect of missense changes on protein structure and function (PolyPhen-2) suggests that this variant is likely to be tolerated. In summary, the available evidence is currently insufficient to determine the role of this variant in disease. Therefore, it has been classified as a Variant of Uncertain Significance.

NM_000238.4(KCNH2):c.667G>A (p.Ala223Thr)

Gene: KCNH2 (potassium voltage-gated channel subfamily H member 2; minus strand). Cytogenetic location: 7q36.1.
Variant type: single nucleotide variant.
Coding change: c.667G>A on transcript NM_000238.4 (MANE Select); coding-DNA position 667, G replaced by A.
Protein change: p.Ala223Thr; replaces alanine 223 with threonine.
Molecular consequence: missense variant. On other transcripts: non-coding transcript variant (1).
Genome position (GRCh38, 1-based): chr7:150,958,308, C>T on the plus strand (G>A on the coding strand, the complement: KCNH2 is on the minus strand). VCF-style: chr7-150958308-C-T. GRCh37 (hg19) VCF-style: chr7-150655396-C-T.
Other names: c.379G>A, p.Ala127Thr (NM_001406753.1, NM_001406756.1); c.490G>A, p.Ala164Thr (NM_001406755.1); c.367G>A, p.Ala123Thr (NM_001406757.1); c.667G>A, p.Ala223Thr (NM_172056.3); short protein forms A123T, A223T, A127T, A164T.
Identifiers: ClinVar variation 4714234 (VCV004714234.1).